The following is an entry in ClinVar:

NM_003737.4(DCHS1):c.2016G>C (p.Lys672Asn)

Gene: DCHS1 (dachsous cadherin-related 1; minus strand). Cytogenetic location: 11p15.4.
Variant type: single nucleotide variant.
Coding change: c.2016G>C on transcript NM_003737.4 (MANE Select); coding-DNA position 2016, G replaced by C.
Protein change: p.Lys672Asn; replaces lysine 672 with asparagine.
Molecular consequence: missense variant.
Genome position (GRCh38, 1-based): chr11:6,633,991, C>G on the plus strand (G>C on the coding strand, the complement: DCHS1 is on the minus strand). VCF-style: chr11-6633991-C-G. GRCh37 (hg19) VCF-style: chr11-6655222-C-G.
Other names: c.2016G>C (NM_003737.2); short protein forms K672N.
Identifiers: ClinVar variation 1307121 (VCV001307121.9), dbSNP rs1855952120, ClinGen allele CA379424684.

ClinVar aggregate classification (germline): Uncertain significance. Review status: criteria provided, multiple submitters, no conflicts (2 of 4 stars). 3 submissions from 3 submitters: Uncertain significance (3). Last evaluated 2026-01-26.

Conditions:
Inborn genetic diseases. Identifiers: MedGen C0950123, MeSH D030342.

Allele frequency attached by ClinVar (database versions not stated): gnomAD exomes below 0.00001; TOPMed 0.00002.
gnomAD v4.1: 1 of 1,614,006 alleles (0.000062%); highest among the groups gnomAD compares: Admixed American, 0.0017%; no homozygotes.

Submissions (3):

GeneDx
Classification: Uncertain significance. Last evaluated: 2026-01-26. Review status: criteria provided, single submitter. Criteria: GeneDx Variant Classification Process June 2021. Collection method: clinical testing. Allele origin: germline. Affected: yes.
Comment: Not observed at significant frequency in large population cohorts (gnomAD); In silico analysis supports that this missense variant has a deleterious effect on protein structure/function; Has not been previously published as pathogenic or benign to our knowledge

Ambry Genetics
Classification: Uncertain significance for Inborn genetic diseases. Last evaluated: 2023-12-22. Review status: criteria provided, single submitter. Criteria: Ambry Variant Classification Scheme 2023. Collection method: clinical testing. Allele origin: germline.

Labcorp Genetics (formerly Invitae), Labcorp
Classification: Uncertain significance. Last evaluated: 2022-12-27. Review status: criteria provided, single submitter. Criteria: Invitae Variant Classification Sherloc (09022015). Collection method: clinical testing. Allele origin: germline.
Comment: This variant is not present in population databases (gnomAD no frequency). In summary, the available evidence is currently insufficient to determine the role of this variant in disease. Therefore, it has been classified as a Variant of Uncertain Significance. Advanced modeling of protein sequence and biophysical properties (such as structural, functional, and spatial information, amino acid conservation, physicochemical variation, residue mobility, and thermodynamic stability) performed at Invitae indicates that this missense variant is not expected to disrupt DCHS1 protein function. ClinVar contains an entry for this variant (Variation ID: 1307121). This variant has not been reported in the literature in individuals affected with DCHS1-related conditions. This sequence change replaces lysine, which is basic and polar, with asparagine, which is neutral and polar, at codon 672 of the DCHS1 protein (p.Lys672Asn).